The following is an entry in ClinVar:

ClinVar aggregate classification (germline): Conflicting classifications of pathogenicity. Review status: criteria provided, conflicting classifications (1 of 4 stars). 4 submissions from 4 submitters: Uncertain significance (1); Likely benign (3). Last evaluated 2025-10-05.

Conditions:
Multiple endocrine neoplasia, type 2 (MEN2). Identifiers: Orphanet 653, MedGen C4048306, MONDO:0019003. Disease mechanism: gain of function.
Hereditary cancer-predisposing syndrome. Also called: Tumor predisposition; Neoplastic Syndromes, Hereditary; Hereditary Cancer Syndrome; Hereditary neoplastic syndrome. Identifiers: Orphanet 140162, MedGen C0027672, MeSH D009386, MONDO:0015356.

Allele frequency attached by ClinVar (database versions not stated): gnomAD exomes below 0.00001.

Submissions (4):

Color Diagnostics, LLC DBA Color Health
Classification: Likely benign for Multiple endocrine neoplasia, type 2. Last evaluated: 2025-10-05. Review status: criteria provided, single submitter. Criteria: ACMG Guidelines, 2015. Collection method: clinical testing. Allele origin: germline.

Labcorp Genetics (formerly Invitae), Labcorp
Classification: Likely benign for Multiple endocrine neoplasia, type 2. Last evaluated: 2025-06-02. Review status: criteria provided, single submitter. Criteria: Invitae Variant Classification Sherloc (09022015). Collection method: clinical testing. Allele origin: germline.

All of Us Research Program, National Institutes of Health
Classification: Uncertain significance for Multiple endocrine neoplasia, type 2. Last evaluated: 2023-04-03. Review status: criteria provided, single submitter. Criteria: ACMG Guidelines, 2015. Collection method: clinical testing. Allele origin: germline. Inheritance: Autosomal dominant inheritance. Observed: 1 variant allele, 1 heterozygote.
Comment: This variant is located in the RET protein. To our knowledge, functional studies have not been reported for this variant. This variant has not been reported in individuals affected with RET-related disorders in the literature. This variant has not been identified in the general population by the Genome Aggregation Database (gnomAD). The available evidence is insufficient to determine the role of this variant in disease conclusively. Therefore, this variant is classified as a Variant of Uncertain Significance.

This study involves interpretation of variants in research participants for the purpose of population health screening. Participant phenotype was not available at the time of variant classification. Additional details can be found in publication PMID: 35346344, PMCID: PMC8962531

Ambry Genetics
Classification: Likely benign for Hereditary cancer-predisposing syndrome. Last evaluated: 2019-07-15. Review status: criteria provided, single submitter. Criteria: Ambry Variant Classification Scheme 2023. Collection method: clinical testing. Allele origin: germline.

NM_020975.6(RET):c.202C>T (p.Leu68=)

Gene: RET (ret proto-oncogene; plus strand). Cytogenetic location: 10q11.21.
Variant type: single nucleotide variant.
Coding change: c.202C>T on transcript NM_020975.6 (MANE Select); coding-DNA position 202, C replaced by T.
Protein change: p.Leu68=; no amino-acid change (leucine 68 retained).
Molecular consequence: synonymous variant. On other transcripts: intron variant (4).
Genome position (GRCh38, 1-based): chr10:43,100,587, C>T. VCF-style: chr10-43100587-C-T. GRCh37 (hg19) VCF-style: chr10-43596035-C-T.
Other names: c.202C>T, p.Leu68= (NM_001406782.1, NM_001406785.1, NM_001406783.1 and 34 more transcripts); c.74-8444C>T (NM_001406784.1); c.74-11512C>T (NM_001406794.1, NM_001406792.1, NM_001406793.1).
Identifiers: ClinVar variation 760674 (VCV000760674.15), dbSNP rs1588862565, ClinGen allele CA469490581.